The following is an entry in ClinVar:

NM_001256012.3(MYH10):c.590A>G (p.His197Arg)

Gene: MYH10 (myosin heavy chain 10; minus strand). Cytogenetic location: 17p13.1.
Variant type: single nucleotide variant.
Coding change: c.590A>G on transcript NM_001256012.3 (MANE Select); coding-DNA position 590, A replaced by G.
Protein change: p.His197Arg; replaces histidine 197 with arginine.
Molecular consequence: missense variant.
Genome position (GRCh38, 1-based): chr17:8,577,279, T>C on the plus strand (A>G on the coding strand, the complement: MYH10 is on the minus strand). VCF-style: chr17-8577279-T-C. GRCh37 (hg19) VCF-style: chr17-8480597-T-C.
Other names: c.590A>G, p.His197Arg (NM_001256095.2, NM_001375266.1, NM_005964.5); short protein forms H197R.
Identifiers: ClinVar variation 4088037 (VCV004088037.1).

ClinVar aggregate classification (germline): Uncertain significance (1 of 4 stars; one submission).

gnomAD v4.1: 3 of 1,612,906 alleles (0.00019%); highest among the groups gnomAD compares: Non-Finnish European, 0.00025%; no homozygotes.

Submission:

GeneDx
Classification: Uncertain significance. Last evaluated: 2025-03-26. Review status: criteria provided, single submitter. Criteria: GeneDx Variant Classification Process June 2021. Collection method: clinical testing. Allele origin: germline. Affected: yes.
Comment: Not observed at significant frequency in large population cohorts (gnomAD); In silico analysis supports that this missense variant has a deleterious effect on protein structure/function; Has not been previously published as pathogenic or benign to our knowledge